The following is an entry in ClinVar:

NM_001145809.2(MYH14):c.2250_2251inv (p.Arg751Trp)

Gene: MYH14 (myosin heavy chain 14; plus strand). Cytogenetic location: 19q13.33.
Variant type: Inversion.
Coding change: c.2250_2251inv on transcript NM_001145809.2 (MANE Select).
Protein change: p.Arg751Trp; replaces arginine 751 with tryptophan.
Molecular consequence: missense variant.
Genome position: GRCh38 VCF-style: chr19-50259161-AC-GT. GRCh37 (hg19) VCF-style: chr19-50762418-AC-GT.
Other names: c.2151_2152inv, p.Arg718Trp (NM_001077186.2); c.2127_2128inv, p.Arg710Trp (NM_024729.4); short protein forms R710W, R718W, R751W.
Identifiers: ClinVar variation 1969776 (VCV001969776.5), ClinGen allele CA2580097589.

ClinVar aggregate classification (germline): Uncertain significance (1 of 4 stars; one submission).

Submission:

Labcorp Genetics (formerly Invitae), Labcorp
Classification: Uncertain significance. Last evaluated: 2024-06-17. Review status: criteria provided, single submitter. Criteria: Invitae Variant Classification Sherloc (09022015). Collection method: clinical testing. Allele origin: germline.
Comment: This sequence change replaces arginine, which is basic and polar, with tryptophan, which is neutral and slightly polar, at codon 710 of the MYH14 protein (p.Arg710Trp). Information on the frequency of this variant in the gnomAD database is not available, as this variant may be reported differently in the database. This variant has not been reported in the literature in individuals affected with MYH14-related conditions. ClinVar contains an entry for this variant (Variation ID: 1969776). Experimental studies and prediction algorithms are not available or were not evaluated, and the functional significance of this variant is currently unknown. In summary, the available evidence is currently insufficient to determine the role of this variant in disease. Therefore, it has been classified as a Variant of Uncertain Significance.